The following is an entry in ClinVar:

NM_000363.5(TNNI3):c.167T>C (p.Ile56Thr)

Gene: TNNI3 (troponin I3, cardiac type; minus strand). Cytogenetic location: 19q13.42.
Variant type: single nucleotide variant.
Coding change: c.167T>C on transcript NM_000363.5 (MANE Select); coding-DNA position 167, T replaced by C.
Protein change: p.Ile56Thr; replaces isoleucine 56 with threonine.
Molecular consequence: missense variant.
Genome position (GRCh38, 1-based): chr19:55,156,316, A>G on the plus strand (T>C on the coding strand, the complement: TNNI3 is on the minus strand). VCF-style: chr19-55156316-A-G. GRCh37 (hg19) VCF-style: chr19-55667684-A-G.
Other names: short protein forms I56T.
Identifiers: ClinVar variation 165526 (VCV000165526.20), dbSNP rs545441942, ClinGen allele CA021328.

ClinVar aggregate classification (germline): Uncertain significance. Review status: criteria provided, multiple submitters, no conflicts (2 of 4 stars). 8 submissions from 8 submitters: Uncertain significance (8). Last evaluated 2026-03-27.

Conditions:
Cardiovascular phenotype. Identifiers: MedGen CN230736.
Cardiomyopathy, familial restrictive, 1. Identifiers: Orphanet 75249, MedGen C1861861, MONDO:0007270, OMIM 115210.
Hypertrophic cardiomyopathy 7. Also called: TNNI3-Related Familial Hypertrophic Cardiomyopathy; Familial hypertrophic cardiomyopathy 7; CARDIOMYOPATHY, FAMILIAL HYPERTROPHIC, 7, MODIFIER OF. Identifiers: MedGen C1860752, MONDO:0013369, OMIM 613690.
Dilated cardiomyopathy 1FF (CMD1FF). Identifiers: Orphanet 154, MedGen C2750091, MONDO:0013211, OMIM 613286.
Dilated cardiomyopathy 2A (CMD2A). Also called: CARDIOMYOPATHY, CONGESTIVE, AUTOSOMAL RECESSIVE; CARDIOMYOPATHY, DILATED, AUTOSOMAL RECESSIVE. Identifiers: Orphanet 154, MedGen C2678474, MONDO:0012746, OMIM 611880.
Cardiomyopathy (CMYO). Also called: Cardiomyopathies. Identifiers: Orphanet 167848, MedGen C0878544, MONDO:0004994, HP:0001638. Inheritance: Various modes of inheritance.
Hypertrophic cardiomyopathy. Also called: HYPERTROPHIC MYOCARDIOPATHY. Identifiers: Orphanet 217569, MedGen C0007194, MeSH D002312, MONDO:0005045, HP:0001639.

Allele frequency attached by ClinVar (database versions not stated): gnomAD 0.00001 and 0.00002; gnomAD exomes 0.00001 and 0.00003; ExAC 0.00002; 1000 Genomes Project 30x 0.00016; TOPMed 0.00005; 1000 Genomes Project 0.00020.
gnomAD v4.1: 14 of 1,609,704 alleles (0.00087%); highest among the groups gnomAD compares: South Asian, 0.0055%; no homozygotes.

Submissions (8):

Molecular Diagnostic Laboratory for Inherited Cardiovascular Disease, Montreal Heart Institute
Classification: Uncertain significance for Cardiovascular phenotype. Last evaluated: 2026-03-27. Review status: criteria provided, single submitter. Criteria: ACMG Guidelines, 2015. Collection method: clinical testing. Allele origin: germline. Affected: yes.
Comment: PS4_supp, PM2, PP2

Labcorp Genetics (formerly Invitae), Labcorp
Classification: Uncertain significance for Hypertrophic cardiomyopathy. Last evaluated: 2025-08-30. Review status: criteria provided, single submitter. Criteria: Invitae Variant Classification Sherloc (09022015). Collection method: clinical testing. Allele origin: germline.
Comment: This sequence change replaces isoleucine, which is neutral and non-polar, with threonine, which is neutral and polar, at codon 56 of the TNNI3 protein (p.Ile56Thr). This variant is present in population databases (rs545441942, gnomAD 0.01%). This missense change has been observed in individual(s) with hypertrophic cardiomyopathy (PMID: 21533915, 25611685, 27532257, 33495596, 37652022). ClinVar contains an entry for this variant (Variation ID: 165526). An algorithm developed to predict the effect of missense changes on protein structure and function (PolyPhen-2) suggests that this variant is likely to be tolerated. In summary, the available evidence is currently insufficient to determine the role of this variant in disease. Therefore, it has been classified as a Variant of Uncertain Significance.

Women's Health and Genetics/Laboratory Corporation of America, LabCorp
Classification: Uncertain significance. Last evaluated: 2024-09-27. Review status: criteria provided, single submitter. Criteria: LabCorp Variant Classification Summary - May 2015. Collection method: clinical testing. Allele origin: germline.
Comment: Variant summary: TNNI3 c.167T>C (p.Ile56Thr) results in a non-conservative amino acid change in the encoded protein sequence. Three of five in-silico tools predict a damaging effect of the variant on protein function. The variant allele was found at a frequency of 3e-05 in 233406 control chromosomes. The available data on variant occurrences in the general population are insufficient to allow any conclusion about variant significance. c.167T>C has been reported in the literature in individuals affected with Cardiomyopathy (e.g. van den Wijngaard_2011, Walsh_2017, Tadros_2021, McGurk_2023). These report(s) do not provide unequivocal conclusions about association of the variant with Cardiomyopathy. To our knowledge, no experimental evidence demonstrating an impact on protein function has been reported. The following publications have been ascertained in the context of this evaluation (PMID: 37652022, 32278834, 33495596, 27532257, 21533915). ClinVar contains an entry for this variant (Variation ID: 165526). Based on the evidence outlined above, the variant was classified as uncertain significance.

Color Diagnostics, LLC DBA Color Health
Classification: Uncertain significance for Cardiomyopathy. Last evaluated: 2024-06-03. Review status: criteria provided, single submitter. Criteria: ACMG Guidelines, 2015. Collection method: clinical testing. Allele origin: germline.
Comment: This missense variant replaces isoleucine with threonine at codon 56 of the TNNI3 protein. Computational prediction tools indicate that this variant's impact on protein structure and function is inconclusive. To our knowledge, functional studies have not been reported for this variant. This variant has been reported in at least two individuals affected hypertrophic cardiomyopathy (PMID: 21533915, 25611685, 27532257, 33495596, 33495597). This variant has been identified in 7/233406 chromosomes in the general population by the Genome Aggregation Database (gnomAD). The available evidence is insufficient to determine the role of this variant in disease conclusively. Therefore, this variant is classified as a Variant of Uncertain Significance.

GeneDx
Classification: Uncertain significance. Last evaluated: 2024-03-13. Review status: criteria provided, single submitter. Criteria: GeneDx Variant Classification Process June 2021. Collection method: clinical testing. Allele origin: germline. Affected: yes.
Comment: Identified in individuals with HCM in published literature (PMID: 27532257, 21533915); In silico analysis indicates that this missense variant does not alter protein structure/function; This variant is associated with the following publications: (PMID: 27532257, 21533915)

Ambry Genetics
Classification: Uncertain significance for Cardiovascular phenotype. Last evaluated: 2022-12-13. Review status: criteria provided, single submitter. Criteria: Ambry Variant Classification Scheme 2023. Collection method: clinical testing. Allele origin: germline.
Comment: The p.I56T variant (also known as c.167T>C), located in coding exon 5 of the TNNI3 gene, results from a T to C substitution at nucleotide position 167. The isoleucine at codon 56 is replaced by threonine, an amino acid with similar properties. This alteration has been reported in association with hypertrophic cardiomyopathy (HCM) (van den Wijngaard A et al. Neth Heart J, 2011 Aug;19:344-51; Alfares AA et al. Genet Med, 2015 Nov;17:880-8; Walsh R et al. Genet Med, 2017 Feb;19:192-203; Tadros R et al. Nat Genet, 2021 Feb;53:128-134). This amino acid position is not well conserved in available vertebrate species. In addition, the in silico prediction for this alteration is inconclusive. Since supporting evidence is limited at this time, the clinical significance of this alteration remains unclear.

Fulgent Genetics
Classification: Uncertain significance for Cardiomyopathy, familial restrictive, 1; Dilated cardiomyopathy 2A; Dilated cardiomyopathy 1FF; Hypertrophic cardiomyopathy 7. Last evaluated: 2021-09-02. Review status: criteria provided, single submitter. Criteria: ACMG Guidelines, 2015. Collection method: clinical testing. Allele origin: unknown.

Laboratory for Molecular Medicine, Mass General Brigham Personalized Medicine
Classification: Uncertain significance for Hypertrophic cardiomyopathy. Last evaluated: 2019-04-05. Review status: criteria provided, single submitter. Criteria: ACMG Guidelines, 2015. Collection method: clinical testing. Allele origin: germline.
Comment: Disclaimer: This variant has not undergone full assessment. The following are preliminary notes: Not reported in affected people. Gnomad: 0.01% (3 alleles).

Literature cited by the submitters: PubMed 21533915 (cited by 4 submitters); PubMed 25611685 (cited by 3 submitters); PubMed 27532257 (cited by 4 submitters); PubMed 33495596 (cited by 4 submitters); PubMed 37652022 (cited by Labcorp Genetics (formerly Invitae), Labcorp and Women's Health and Genetics/Laboratory Corporation of America, LabCorp); PubMed 32278834 (cited by Women's Health and Genetics/Laboratory Corporation of America, LabCorp); PubMed 33495597 (cited by Color Diagnostics, LLC DBA Color Health and Ambry Genetics).